The following is an entry in ClinVar:

ClinVar aggregate classification (germline): Uncertain significance (1 of 4 stars; one submission).

Conditions:
Arrhythmogenic right ventricular cardiomyopathy (ARVD). Also called: Arrhythmogenic right ventricular dysplasia; Cardiomyopathy, ARVC; Arrhythmogenic cardiomyopathy; Arrhythmogenic Right Ventricular Cardiomyopathy (ARVC). Identifiers: Orphanet 247, MedGen C0349788, MeSH D019571, MONDO:0016587. Disease mechanism: loss of function. Inheritance: Various modes of inheritance.

Allele frequency attached by ClinVar (database versions not stated): gnomAD exomes below 0.00001.
gnomAD v4.1: 1 of 1,594,718 alleles (0.000063%); highest among the groups gnomAD compares: Non-Finnish European, 0.000086%; no homozygotes.

Submission:

All of Us Research Program, National Institutes of Health
Classification: Uncertain significance for Arrhythmogenic right ventricular cardiomyopathy. Last evaluated: 2023-09-04. Review status: criteria provided, single submitter. Criteria: ACMG Guidelines, 2015. Collection method: clinical testing. Allele origin: germline. Inheritance: Autosomal dominant inheritance. Observed: 1 variant allele, 1 heterozygote.
Comment: This missense variant replaces isoleucine with leucine at codon 438 of the DSG2 protein. Computational prediction suggests that this variant may not impact protein structure and function (internally defined REVEL score threshold <= 0.5, PMID: 27666373). To our knowledge, functional studies have not been reported for this variant. This variant has not been reported in individuals affected with DSG2-related disorders in the literature. This variant has not been identified in the general population by the Genome Aggregation Database (gnomAD). The available evidence is insufficient to determine the role of this variant in disease conclusively. Therefore, this variant is classified as a Variant of Uncertain Significance.

This study involves interpretation of variants in research participants for the purpose of population health screening. Participant phenotype was not available at the time of variant classification. Additional details can be found in publication PMID: 35346344, PMCID: PMC8962531

NM_001943.5(DSG2):c.1312A>C (p.Ile438Leu)

Gene: DSG2 (desmoglein 2; plus strand). Cytogenetic location: 18q12.1.
Variant type: single nucleotide variant.
Coding change: c.1312A>C on transcript NM_001943.5 (MANE Select); coding-DNA position 1312, A replaced by C.
Protein change: p.Ile438Leu; replaces isoleucine 438 with leucine.
Molecular consequence: missense variant.
Genome position (GRCh38, 1-based): chr18:31,535,301, A>C. VCF-style: chr18-31535301-A-C. GRCh37 (hg19) VCF-style: chr18-29115264-A-C.
Other names: short protein forms I438L.
Identifiers: ClinVar variation 3073306 (VCV003073306.1), dbSNP rs2510917261, ClinGen allele CA402140293.